The following is an entry in ClinVar:

ClinVar aggregate classification (germline): Pathogenic. Review status: criteria provided, multiple submitters, no conflicts (2 of 4 stars). 5 submissions from 5 submitters: Pathogenic (2). 3 of the submissions do not count toward it. Last evaluated 2023-09-17.

Conditions:
Congenital anomaly of kidney and urinary tract. Also called: Congenital anomalies of kidney and urinary tract; Congenital anomalies of the kidney and urinary tract. Identifiers: Orphanet 93545, MedGen C1968949, MeSH C566906, MONDO:0019719.
Neurodevelopmental-craniofacial syndrome with variable renal and cardiac abnormalities. Identifiers: MedGen C5561984, MONDO:0859190, OMIM 619522.

Allele frequency attached by ClinVar (database versions not stated): gnomAD exomes below 0.00001.
gnomAD v4.1: 3 of 1,606,894 alleles (0.00019%); highest among the groups gnomAD compares: African/African-American, 0.0013%; no homozygotes.

Submissions (5):

Laboratoire de Génétique Moléculaire, CHU Bordeaux
Classification: Pathogenic for Neurodevelopmental-craniofacial syndrome with variable renal and cardiac abnormalities. Last evaluated: 2023-09-17. Review status: criteria provided, single submitter. Criteria: ACMG Guidelines, 2015. Collection method: clinical testing. Allele origin: germline. Affected: yes.

GeneDx
Classification: Pathogenic. Last evaluated: 2023-07-19. Review status: criteria provided, single submitter. Criteria: GeneDx Variant Classification Process June 2021. Collection method: clinical testing. Allele origin: germline. Affected: yes.
Comment: Nonsense variant predicted to result in protein truncation or nonsense mediated decay in a gene for which loss of function is a known mechanism of disease; Not observed at significant frequency in large population cohorts (gnomAD); This variant is associated with the following publications: (PMID: 32891193, 29631995)

Gharavi Laboratory, Columbia University
Classification: Pathogenic for Neurodevelopmental-craniofacial syndrome with variable renal and cardiac abnormalities. Last evaluated: 2024-11-05. Review status: no assertion criteria provided. Criteria: ACMG Guidelines, 2015. Collection method: case-control. Allele origin: germline. Affected: yes. Not counted in ClinVar's aggregate classification.

OMIM
Classification: Pathogenic for NEURODEVELOPMENTAL-CRANIOFACIAL SYNDROME WITH VARIABLE RENAL AND CARDIAC ABNORMALITIES. Last evaluated: 2021-09-14. Review status: no assertion criteria provided. Collection method: literature only. Allele origin: germline. Not counted in ClinVar's aggregate classification.

Yale Center for Mendelian Genomics, Yale University
Classification: Likely pathogenic for Congenital anomaly of kidney and urinary tract. Last evaluated: 2020-09-04. Review status: no assertion criteria provided. Collection method: literature only. Allele origin: de novo. Affected: yes. Observed: 1 heterozygote. Study: Yale Center for Mendelian Genomics. Not counted in ClinVar's aggregate classification.

Literature cited by the submitters: PubMed 32891193 (cited by OMIM and Yale Center for Mendelian Genomics, Yale University).

NM_197968.4(ZMYM2):c.1618C>T (p.Arg540Ter)

Gene: ZMYM2 (zinc finger MYM-type containing 2; plus strand). Cytogenetic location: 13q12.11.
Variant type: single nucleotide variant.
Coding change: c.1618C>T on transcript NM_197968.4 (MANE Select); coding-DNA position 1618, C replaced by T.
Protein change: p.Arg540Ter; replaces arginine 540 with a stop codon.
Molecular consequence: nonsense. On other transcripts: non-coding transcript variant (1).
Genome position (GRCh38, 1-based): chr13:20,026,645, C>T. VCF-style: chr13-20026645-C-T. GRCh37 (hg19) VCF-style: chr13-20600785-C-T.
Other names: c.1618C>T, p.Arg540Ter (NM_001190964.4, NM_001190965.4, NM_001353157.2 and 5 more transcripts); c.1423C>T, p.Arg475Ter (NM_001353161.3); c.1357C>T, p.Arg453Ter (NM_001353163.2); c.1618C>T (NM_003453.4); short protein forms R540*, R453*, R475*.
Identifiers: ClinVar variation 1264312 (VCV001264312.5), dbSNP rs1309291116, ClinGen allele CA387672260.